The following is an entry in ClinVar:

ClinVar aggregate classification (germline): Uncertain significance (1 of 4 stars; one submission).

Conditions:
Baller-Gerold syndrome (BGS). Also called: CRANIOSYNOSTOSIS WITH RADIAL DEFECTS. Identifiers: Orphanet 1225, MedGen C0265308, MONDO:0009039, OMIM 218600.

Submission:

Labcorp Genetics (formerly Invitae), Labcorp
Classification: Uncertain significance for Baller-Gerold syndrome. Last evaluated: 2022-03-14. Review status: criteria provided, single submitter. Criteria: Invitae Variant Classification Sherloc (09022015). Collection method: clinical testing. Allele origin: germline.
Comment: In summary, the available evidence is currently insufficient to determine the role of this variant in disease. Therefore, it has been classified as a Variant of Uncertain Significance. This sequence change replaces threonine, which is neutral and polar, with arginine, which is basic and polar, at codon 145 of the RECQL4 protein (p.Thr145Arg). This variant is not present in population databases (gnomAD no frequency). This variant has not been reported in the literature in individuals affected with RECQL4-related conditions. Experimental studies and prediction algorithms are not available or were not evaluated, and the functional significance of this variant is currently unknown. Algorithms developed to predict the effect of sequence changes on RNA splicing suggest that this variant may disrupt the consensus splice site.

NM_004260.4(RECQL4):c.434C>G (p.Thr145Arg)

Gene: RECQL4 (RecQ like helicase 4; minus strand). Cytogenetic location: 8q24.3.
Variant type: single nucleotide variant.
Coding change: c.434C>G on transcript NM_004260.4 (MANE Select); coding-DNA position 434, C replaced by G.
Protein change: p.Thr145Arg; replaces threonine 145 with arginine.
Molecular consequence: missense variant.
Genome position (GRCh38, 1-based): chr8:144,516,685, G>C on the plus strand (C>G on the coding strand, the complement: RECQL4 is on the minus strand). VCF-style: chr8-144516685-G-C. GRCh37 (hg19) VCF-style: chr8-145742069-G-C.
Other names: c.434C>G, p.Thr145Arg (NM_001413033.1, NM_001413036.1, NM_001413039.1 and 4 more transcripts); c.-542C>G (NM_001413034.1); c.-638C>G (NM_001413037.1, NM_001413038.1, NM_001413040.1 and 3 more transcripts); c.-700C>G (NM_001413041.1, NM_001413027.1, NM_001413030.1 and 1 more transcripts); c.-907C>G (NM_001413043.1); c.305C>G, p.Thr102Arg (NM_001413025.1); short protein forms T102R, T145R.
Identifiers: ClinVar variation 1926652 (VCV001926652.5), dbSNP rs2130728963, ClinGen allele CA372691502.